The following is an entry in ClinVar:

NM_001308093.3(GATA4):c.1202T>C (p.Leu401Pro)

Gene: GATA4 (GATA binding protein 4). Cytogenetic location: 8p23.1.
Variant type: single nucleotide variant.
Coding change: c.1202T>C on transcript NM_001308093.3 (MANE Select); coding-DNA position 1202, T replaced by C.
Protein change: p.Leu401Pro; replaces leucine 401 with proline.
Molecular consequence: missense variant.
Genome position (GRCh38, 1-based): chr8:11,758,345, T>C. VCF-style: chr8-11758345-T-C. GRCh37 (hg19) VCF-style: chr8-11615854-T-C.
Other names: c.581T>C, p.Leu194Pro (NM_001308094.2, NM_001374273.1); c.455T>C, p.Leu152Pro (NM_001374274.1); c.1199T>C, p.Leu400Pro (NM_002052.5); short protein forms L400P, L152P, L194P, L401P.
Identifiers: ClinVar variation 1746745 (VCV001746745.2), dbSNP rs2486051181, ClinGen allele CA370315632.

ClinVar aggregate classification (germline): Uncertain significance (1 of 4 stars; one submission).

Conditions:
Cardiovascular phenotype. Identifiers: MedGen CN230736.

Submission:

Ambry Genetics
Classification: Uncertain significance for Cardiovascular phenotype. Last evaluated: 2021-10-25. Review status: criteria provided, single submitter. Criteria: Ambry Variant Classification Scheme 2023. Collection method: clinical testing. Allele origin: germline.
Comment: The p.L400P variant (also known as c.1199T>C), located in coding exon 6 of the GATA4 gene, results from a T to C substitution at nucleotide position 1199. The leucine at codon 400 is replaced by proline, an amino acid with similar properties. This amino acid position is conserved. In addition, this alteration is predicted to be deleterious by in silico analysis. Since supporting evidence is limited at this time, the clinical significance of this alteration remains unclear.